The following is an entry in ClinVar:

NM_007126.5(VCP):c.30T>A (p.Asp10Glu)

Gene: VCP (valosin containing protein; minus strand). Cytogenetic location: 9p13.3.
Variant type: single nucleotide variant.
Coding change: c.30T>A on transcript NM_007126.5 (MANE Select); coding-DNA position 30, T replaced by A.
Protein change: p.Asp10Glu; replaces aspartic acid 10 with glutamic acid.
Molecular consequence: missense variant. On other transcripts: 5 prime UTR variant (2).
Genome position (GRCh38, 1-based): chr9:35,068,350, A>T on the plus strand (T>A on the coding strand, the complement: VCP is on the minus strand). VCF-style: chr9-35068350-A-T. GRCh37 (hg19) VCF-style: chr9-35068347-A-T.
Other names: c.-106T>A (NM_001354927.2, NM_001354928.2); short protein forms D10E.
Identifiers: ClinVar variation 931551 (VCV000931551.3), dbSNP rs1828874096, ClinGen allele CA373295390.
Genomic context (GRCh38, chr9:35,068,350, plus strand): 5'-TTCATCAACAATTAACCGATTGGGACGGTTCTTCTGTTTGAGAATGGCTGTTGATAGGTC[A>T]TCACCTTTTGAACTAGAAGGAGGAAATGGAGTCAGTAGATACTCCTGCCCCAAGCGCCTC-3'
Protein context (NP_009057.1, residues 1-20): MASGADSKG[Asp10Glu]DLSTAILKQK

ClinVar aggregate classification (germline): Uncertain significance (1 of 4 stars; one submission).

Conditions:
Inclusion body myopathy with Paget disease of bone and frontotemporal dementia type 1. Also called: MULTISYSTEM PROTEINOPATHY 1; Inclusion body myopathy with early-onset Paget disease and frontotemporal dementia 1; Inclusion body myopathy with early-onset Paget disease with or without frontotemporal dementia 1. Identifiers: MedGen C4551951, MONDO:0008178, OMIM 167320.

Submission:

Centre for Mendelian Genomics, University Medical Centre Ljubljana
Classification: Uncertain significance for Inclusion body myopathy with Paget disease of bone and frontotemporal dementia type 1. Last evaluated: 2019-06-10. Review status: criteria provided, single submitter. Criteria: ACMG Guidelines, 2015. Collection method: clinical testing. Allele origin: unknown. Affected: yes.
Comment: This variant was classified as: Uncertain significance. The available evidence on this variant's pathogenicity is insufficient or conflicting. The following ACMG criteria were applied in classifying this variant: PM2.